The following is an entry in ClinVar:

ClinVar aggregate classification (germline): Uncertain significance (1 of 4 stars; one submission).

Submission:

GeneDx
Classification: Uncertain significance. Last evaluated: 2023-08-03. Review status: criteria provided, single submitter. Criteria: GeneDx Variant Classification Process June 2021. Collection method: clinical testing. Allele origin: germline. Affected: yes.
Comment: Not observed at significant frequency in large population cohorts (gnomAD); In silico analysis supports that this missense variant has a deleterious effect on protein structure/function; Has not been previously published as pathogenic or benign to our knowledge

NM_000883.4(IMPDH1):c.296C>G (p.Pro99Arg)

Gene: IMPDH1 (inosine monophosphate dehydrogenase 1; minus strand). Cytogenetic location: 7q32.1.
Variant type: single nucleotide variant.
Coding change: c.296C>G on transcript NM_000883.4 (MANE Select); coding-DNA position 296, C replaced by G.
Protein change: p.Pro99Arg; replaces proline 99 with arginine.
Molecular consequence: missense variant. On other transcripts: intron variant (2).
Genome position (GRCh38, 1-based): chr7:128,405,824, G>C on the plus strand (C>G on the coding strand, the complement: IMPDH1 is on the minus strand). VCF-style: chr7-128405824-G-C. GRCh37 (hg19) VCF-style: chr7-128045878-G-C.
Other names: c.266C>G, p.Pro89Arg (NM_001102605.2); c.41C>G, p.Pro14Arg (NM_001142573.2, NM_001142574.2, NM_001142575.2); c.188C>G, p.Pro63Arg (NM_183243.3); c.147-2070C>G (NM_001304521.2); c.255-2070C>G (NM_001142576.2); short protein forms P14R, P63R, P89R, P99R.
Identifiers: ClinVar variation 3361856 (VCV003361856.1).